The following is an entry in ClinVar:

ClinVar aggregate classification (germline): Uncertain significance (1 of 4 stars; one submission).

Submission:

Labcorp Genetics (formerly Invitae), Labcorp
Classification: Uncertain significance. Last evaluated: 2024-09-14. Review status: criteria provided, single submitter. Criteria: Invitae Variant Classification Sherloc (09022015). Collection method: clinical testing. Allele origin: germline.
Comment: This sequence change replaces arginine, which is basic and polar, with lysine, which is basic and polar, at codon 856 of the AP3D1 protein (p.Arg856Lys). This variant is not present in population databases (gnomAD no frequency). This variant has not been reported in the literature in individuals affected with AP3D1-related conditions. An algorithm developed to predict the effect of missense changes on protein structure and function outputs the following: PolyPhen-2: "Benign". The lysine amino acid residue is found in multiple mammalian species, which suggests that this missense change does not adversely affect protein function. In summary, the available evidence is currently insufficient to determine the role of this variant in disease. Therefore, it has been classified as a Variant of Uncertain Significance.

NM_001261826.3(AP3D1):c.2567G>A (p.Arg856Lys)

Gene: AP3D1 (adaptor related protein complex 3 subunit delta 1; minus strand). Cytogenetic location: 19p13.3.
Variant type: single nucleotide variant.
Coding change: c.2567G>A on transcript NM_001261826.3 (MANE Select); coding-DNA position 2567, G replaced by A.
Protein change: p.Arg856Lys; replaces arginine 856 with lysine.
Molecular consequence: missense variant.
Genome position (GRCh38, 1-based): chr19:2,114,159, C>T on the plus strand (G>A on the coding strand, the complement: AP3D1 is on the minus strand). VCF-style: chr19-2114159-C-T. GRCh37 (hg19) VCF-style: chr19-2114158-C-T.
Other names: c.2567G>A, p.Arg856Lys (NM_001374799.1, NM_003938.8); short protein forms R856K.
Identifiers: ClinVar variation 3666925 (VCV003666925.2).
Genomic context (GRCh38, chr19:2,114,159, plus strand): 5'-GCCGCCGCCCTGGGCACTAGCCTTACCTTCTTCTCCTTCTCCTTCTTCTTCTCCTTGTCT[C>T]TCTCTTTCTCTTTGTGTTTTTTCTCTTTCTTCTTGGGTTTCTTGCTCTTCTTTTCTACCA-3'
Protein context (NP_001248755.1, residues 846-866): KKEKKHKEKE[Arg856Lys]DKEKKKEKEK